The following is an entry in ClinVar:

ClinVar aggregate classification (germline): Uncertain significance. Review status: criteria provided, multiple submitters, no conflicts (2 of 4 stars). 2 submissions from 2 submitters: Uncertain significance (2). Last evaluated 2022-03-09.

Conditions:
Charcot-Marie-Tooth disease dominant intermediate E. Also called: CHARCOT-MARIE-TOOTH NEUROPATHY WITH FOCAL SEGMENTAL GLOMERULONEPHRITIS. Identifiers: Orphanet 93114, MedGen C4302667, MONDO:0013758, OMIM 614455.
Focal segmental glomerulosclerosis 5 (FSGS5). Identifiers: Orphanet 656, MedGen C2750475, MONDO:0013191, OMIM 613237.

Allele frequency attached by ClinVar (database versions not stated): TOPMed below 0.00001; gnomAD 0.00001.

Submissions (2):

Fulgent Genetics
Classification: Uncertain significance for Focal segmental glomerulosclerosis 5; Charcot-Marie-Tooth disease dominant intermediate E. Last evaluated: 2022-03-09. Review status: criteria provided, single submitter. Criteria: ACMG Guidelines, 2015. Collection method: clinical testing. Allele origin: unknown.

Labcorp Genetics (formerly Invitae), Labcorp
Classification: Uncertain significance for Charcot-Marie-Tooth disease dominant intermediate E; Focal segmental glomerulosclerosis 5. Last evaluated: 2021-09-22. Review status: criteria provided, single submitter. Criteria: Invitae Variant Classification Sherloc (09022015). Collection method: clinical testing. Allele origin: germline.
Comment: This sequence change replaces threonine with alanine at codon 1039 of the INF2 protein (p.Thr1039Ala). The threonine residue is weakly conserved and there is a small physicochemical difference between threonine and alanine. This variant is not present in population databases (ExAC no frequency). This variant has not been reported in the literature in individuals affected with INF2-related conditions. Algorithms developed to predict the effect of missense changes on protein structure and function output the following: SIFT: "Tolerated"; PolyPhen-2: "Not Available"; Align-GVGD: "Class C0". The alanine amino acid residue is found in multiple mammalian species, which suggests that this missense change does not adversely affect protein function. In summary, the available evidence is currently insufficient to determine the role of this variant in disease. Therefore, it has been classified as a Variant of Uncertain Significance.

NM_022489.4(INF2):c.3115A>G (p.Thr1039Ala)

Gene: INF2 (inverted formin 2; plus strand). Cytogenetic location: 14q32.33.
Variant type: single nucleotide variant.
Coding change: c.3115A>G on transcript NM_022489.4 (MANE Select); coding-DNA position 3115, A replaced by G.
Protein change: p.Thr1039Ala; replaces threonine 1039 with alanine.
Molecular consequence: missense variant.
Genome position (GRCh38, 1-based): chr14:104,714,277, A>G. VCF-style: chr14-104714277-A-G. GRCh37 (hg19) VCF-style: chr14-105180614-A-G.
Other names: c.3115A>G, p.Thr1039Ala (NM_001031714.4); short protein forms T1039A.
Identifiers: ClinVar variation 1435837 (VCV001435837.7), dbSNP rs1316234873, ClinGen allele CA391223567.
Genomic context (GRCh38, chr14:104,714,277, plus strand): 5'-CCTGCAGGAGATCCCGTGGGCAGCACGCGCTGTCCCGCCTCTGAGCCCGGCCTTGATGCT[A>G]CAACAGCCAGCGAGTCCCGGGGCTGGGACCTTGTAGACGCCGTGACCCCCGGCCCTCAGC-3'
Protein context (NP_071934.3, residues 1029-1049): CPASEPGLDA[Thr1039Ala]TASESRGWDL